The following is an entry in ClinVar:

ClinVar aggregate classification (germline): Uncertain significance (1 of 4 stars; one submission).

Conditions:
Propionic acidemia (PROP). Also called: GLYCINEMIA, KETOTIC; HYPERGLYCINEMIA WITH KETOACIDOSIS AND LEUKOPENIA; KETOTIC HYPERGLYCINEMIA. Identifiers: Orphanet 35, MedGen C0268579, MONDO:0011628, OMIM 606054, HP:0003571.

Submission:

Labcorp Genetics (formerly Invitae), Labcorp
Classification: Uncertain significance for Propionic acidemia. Last evaluated: 2024-01-22. Review status: criteria provided, single submitter. Criteria: Invitae Variant Classification Sherloc (09022015). Collection method: clinical testing. Allele origin: germline.
Comment: This sequence change replaces glycine, which is neutral and non-polar, with tryptophan, which is neutral and slightly polar, at codon 721 of the PCCA protein (p.Gly721Trp). This variant is not present in population databases (gnomAD no frequency). This variant has not been reported in the literature in individuals affected with PCCA-related conditions. ClinVar contains an entry for this variant (Variation ID: 2013570). Advanced modeling of protein sequence and biophysical properties (such as structural, functional, and spatial information, amino acid conservation, physicochemical variation, residue mobility, and thermodynamic stability) has been performed at Invitae for this missense variant, however the output from this modeling did not meet the statistical confidence thresholds required to predict the impact of this variant on PCCA protein function. In summary, the available evidence is currently insufficient to determine the role of this variant in disease. Therefore, it has been classified as a Variant of Uncertain Significance.

NM_000282.4(PCCA):c.2161G>T (p.Gly721Trp)

Gene: PCCA (propionyl-CoA carboxylase subunit alpha; plus strand). Cytogenetic location: 13q32.3.
Variant type: single nucleotide variant.
Coding change: c.2161G>T on transcript NM_000282.4 (MANE Select); coding-DNA position 2161, G replaced by T.
Protein change: p.Gly721Trp; replaces glycine 721 with tryptophan.
Molecular consequence: missense variant. On other transcripts: non-coding transcript variant (5).
Genome position (GRCh38, 1-based): chr13:100,530,140, G>T. VCF-style: chr13-100530140-G-T. GRCh37 (hg19) VCF-style: chr13-101182394-G-T.
Other names: c.2083G>T, p.Gly695Trp (NM_001127692.3); c.2020G>T, p.Gly674Trp (NM_001178004.2); c.2107G>T, p.Gly703Trp (NM_001352605.2); c.2017G>T, p.Gly673Trp (NM_001352606.2); c.1942G>T, p.Gly648Trp (NM_001352607.2); c.1939G>T, p.Gly647Trp (NM_001352608.2); c.1216G>T, p.Gly406Trp (NM_001352610.2); c.1162G>T, p.Gly388Trp (NM_001352611.2); and 1 more; short protein forms G388W, G703W, G673W, G674W, G358W, G406W, G647W, G648W.
Identifiers: ClinVar variation 2013570 (VCV002013570.4), dbSNP rs2549094741, ClinGen allele CA388641105.